The following is an entry in ClinVar:

NM_000548.5(TSC2):c.1362-2A>G

Gene: TSC2 (TSC complex subunit 2; plus strand). Cytogenetic location: 16p13.3.
Variant type: single nucleotide variant.
Coding change: c.1362-2A>G on transcript NM_000548.5 (MANE Select); the canonical splice acceptor site of the intron before coding-DNA position 1362, A replaced by G.
Molecular consequence: splice acceptor variant. On other transcripts: intron variant (1).
Genome position (GRCh38, 1-based): chr16:2,062,970, A>G. VCF-style: chr16-2062970-A-G. GRCh37 (hg19) VCF-style: chr16-2112971-A-G.
Other names: c.18-2A>G (NM_001406693.1, NM_001406689.1, NM_001406690.1 and 6 more transcripts); c.1452-2A>G (NM_001406667.1, NM_001406668.1); c.762-2A>G (NM_001406680.1, NM_001406683.1, NM_001406687.1 and 6 more transcripts); c.-160+370A>G (NM_001406698.1); c.1362-2A>G (NM_001114382.3, NM_001406663.1, NM_001406664.1 and 6 more transcripts); c.1350-2A>G (NM_001406671.1, NM_001406673.1); c.900-2A>G (NM_001406681.1); c.1251-2A>G (NM_001406670.1, NM_001318827.2, NM_001406678.1); and 3 more.
Identifiers: ClinVar variation 50186 (VCV000050186.9), dbSNP rs45517165, ClinGen allele CA014545.

ClinVar aggregate classification (germline): Pathogenic. Review status: criteria provided, single submitter (1 of 4 stars). 2 submissions from 2 submitters: Pathogenic (1). 1 of the submissions does not count toward it. Last evaluated 2020-08-31.

Conditions:
Tuberous sclerosis syndrome (TSC). Also called: Tuberous Sclerosis Complex; Tuberous sclerosis. Identifiers: Orphanet 805, MedGen C0041341, MONDO:0001734.
Tuberous sclerosis 2 (TSC2). Identifiers: Orphanet 805, MedGen C1860707, MONDO:0013199, OMIM 613254.

Submissions (2):

Labcorp Genetics (formerly Invitae), Labcorp
Classification: Pathogenic for Tuberous sclerosis 2. Last evaluated: 2020-08-31. Review status: criteria provided, single submitter. Criteria: Invitae Variant Classification Sherloc (09022015). Collection method: clinical testing. Allele origin: germline.
Comment: This sequence change affects an acceptor splice site in intron 13 of the TSC2 gene. It is expected to disrupt RNA splicing and likely results in an absent or disrupted protein product. For these reasons, this variant has been classified as Pathogenic. Donor and acceptor splice site variants typically lead to a loss of protein function (PMID: 16199547), and loss-of-function variants in TSC2 are known to be pathogenic (PMID: 10205261, 17304050). This variant has been observed in individual(s) with tuberous sclerosis complex (PMID: 16114042, Invitae). ClinVar contains an entry for this variant (Variation ID: 50186). This variant is not present in population databases (ExAC no frequency).

Tuberous sclerosis database (TSC2)
No classification provided. Condition: TSC. Review status: no classification provided. Criteria: Tuberous Sclerosis Database Assertion Criteria 2015. Collection method: curation. Allele origin: germline. Affected: yes. Not counted in ClinVar's aggregate classification.

Literature cited by the submitters: PubMed 16199547 (cited by Labcorp Genetics (formerly Invitae), Labcorp); PubMed 10205261 (cited by Labcorp Genetics (formerly Invitae), Labcorp); PubMed 17304050 (cited by Labcorp Genetics (formerly Invitae), Labcorp); PubMed 16114042 (cited by Labcorp Genetics (formerly Invitae), Labcorp).